The following is an entry in ClinVar:

NM_013254.4(TBK1):c.550A>G (p.Met184Val)

Gene: TBK1 (TANK binding kinase 1; plus strand). Cytogenetic location: 12q14.2.
Variant type: single nucleotide variant.
Coding change: c.550A>G on transcript NM_013254.4 (MANE Select); coding-DNA position 550, A replaced by G.
Protein change: p.Met184Val; replaces methionine 184 with valine.
Molecular consequence: missense variant.
Genome position (GRCh38, 1-based): chr12:64,474,239, A>G. VCF-style: chr12-64474239-A-G. GRCh37 (hg19) VCF-style: chr12-64868019-A-G.
Other names: short protein forms M184V.
Identifiers: ClinVar variation 2119798 (VCV002119798.4), dbSNP rs777142345, ClinGen allele CA6668854.

ClinVar aggregate classification (germline): Uncertain significance (1 of 4 stars; one submission).

Conditions:
Frontotemporal dementia and/or amyotrophic lateral sclerosis 4. Also called: FTDALS4. Identifiers: Orphanet 275872, MedGen C4225325, MONDO:0014641, OMIM 616439.

Allele frequency attached by ClinVar (database versions not stated): ExAC 0.00002; TOPMed 0.00002; gnomAD 0.00001; gnomAD exomes 0.00002.

Submission:

Labcorp Genetics (formerly Invitae), Labcorp
Classification: Uncertain significance for Frontotemporal dementia and/or amyotrophic lateral sclerosis 4. Last evaluated: 2025-12-16. Review status: criteria provided, single submitter. Criteria: Invitae Variant Classification Sherloc (09022015). Collection method: clinical testing. Allele origin: germline.
Comment: This sequence change replaces methionine, which is neutral and non-polar, with valine, which is neutral and non-polar, at codon 184 of the TBK1 protein (p.Met184Val). This variant is present in population databases (rs777142345, gnomAD 0.02%). This variant has not been reported in the literature in individuals affected with TBK1-related conditions. ClinVar contains an entry for this variant (Variation ID: 2119798). Invitae Evidence Modeling of protein sequence and biophysical properties (such as structural, functional, and spatial information, amino acid conservation, physicochemical variation, residue mobility, and thermodynamic stability) indicates that this missense variant is not expected to disrupt TBK1 protein function with a negative predictive value of 95%. Experimental studies have shown that this missense change does not substantially affect TBK1 function (PMID: 28008748). In summary, the available evidence is currently insufficient to determine the role of this variant in disease. Therefore, it has been classified as a Variant of Uncertain Significance.

Literature cited by the submitters: PubMed 28008748.